The following is an entry in ClinVar:

ClinVar aggregate classification (germline): Uncertain significance (1 of 4 stars; one submission).

Conditions:
Catecholaminergic polymorphic ventricular tachycardia (CVPT). Also called: Catecholamine-induced polymorphic ventricular tachycardia. Identifiers: Orphanet 3286, MedGen C5574922, MONDO:0017990.

Submission:

Labcorp Genetics (formerly Invitae), Labcorp
Classification: Uncertain significance for Catecholaminergic polymorphic ventricular tachycardia 1. Last evaluated: 2017-06-19. Review status: criteria provided, single submitter. Criteria: Invitae Variant Classification Sherloc (09022015). Collection method: clinical testing. Allele origin: germline.
Comment: This variant is a gross duplication of the genomic region encompassing exons 11-98 of the RYR2 gene. While the exact position of the duplicated exons cannot be determined from this data, the duplicated copy of this region is likely in tandem and may result in an absent or disrupted protein product. This variant is not present in population databases (ExAC no frequency). This variant has not been reported in the literature in individuals with a RYR2-related disease. Experimental studies and prediction algorithms are not available for this variant, and the functional significance of the duplicated amino acids is currently unknown. The current clinical and genetic evidence is not sufficient to establish whether loss-of-function variants in RYR2 cause disease. In summary, this variant has uncertain impact on RYR2 function. The available evidence is currently insufficient to determine its role in disease. Therefore, it has been classified as a Variant of Uncertain Significance.

NC_000001.10:g.(?_237580329)_(237965236_?)dup

Genes: MIR4428 (microRNA 4428; plus strand), RYR2 (ryanodine receptor 2; plus strand), LOC126806067 (BRD4-independent group 4 enhancer GRCh37_chr1:237753258-237754457; plus strand), LOC126806068 (BRD4-independent group 4 enhancer GRCh37_chr1:237947411-237948610; plus strand). Cytogenetic location: 1q43.
Variant type: Duplication.
Identifiers: ClinVar variation 463535 (VCV000463535.2).